The following is an entry in ClinVar:

ClinVar aggregate classification (germline): Uncertain significance (1 of 4 stars; one submission).

Conditions:
Encephalopathy, acute, infection-induced (herpes-specific), susceptibility to, 1. Also called: Herpes simplex encephalitis, susceptibility to, 1. Identifiers: Orphanet 1930, MedGen C2750180, MONDO:0024563, OMIM 610551.

Submission:

Labcorp Genetics (formerly Invitae), Labcorp
Classification: Uncertain significance for Encephalopathy, acute, infection-induced (herpes-specific), susceptibility to, 1. Last evaluated: 2025-08-09. Review status: criteria provided, single submitter. Criteria: Invitae Variant Classification Sherloc (09022015). Collection method: clinical testing. Allele origin: germline.
Comment: This sequence change replaces serine, which is neutral and polar, with phenylalanine, which is neutral and non-polar, at codon 254 of the TLR3 protein (p.Ser254Phe). This variant is not present in population databases (gnomAD no frequency). This variant has not been reported in the literature in individuals affected with TLR3-related conditions. An algorithm developed to predict the effect of missense changes on protein structure and function outputs the following: PolyPhen-2: "Probably Damaging". The phenylalanine amino acid residue is found in multiple mammalian species, which suggests that this missense change does not adversely affect protein function. In summary, the available evidence is currently insufficient to determine the role of this variant in disease. Therefore, it has been classified as a Variant of Uncertain Significance.

NM_003265.3(TLR3):c.761C>T (p.Ser254Phe)

Gene: TLR3 (toll like receptor 3; plus strand). Cytogenetic location: 4q35.1.
Variant type: single nucleotide variant.
Coding change: c.761C>T on transcript NM_003265.3 (MANE Select); coding-DNA position 761, C replaced by T.
Protein change: p.Ser254Phe; replaces serine 254 with phenylalanine.
Molecular consequence: missense variant.
Genome position (GRCh38, 1-based): chr4:186,082,447, C>T. VCF-style: chr4-186082447-C-T. GRCh37 (hg19) VCF-style: chr4-187003601-C-T.
Other names: short protein forms S254F.
Identifiers: ClinVar variation 4724643 (VCV004724643.1).